The following is an entry in ClinVar:

NM_007294.4(BRCA1):c.4700G>C (p.Gly1567Ala)

Gene: BRCA1 (BRCA1 DNA repair associated; minus strand). Cytogenetic location: 17q21.31.
Variant type: single nucleotide variant.
Coding change: c.4700G>C on transcript NM_007294.4 (MANE Select); coding-DNA position 4700, G replaced by C.
Protein change: p.Gly1567Ala; replaces glycine 1567 with alanine.
Molecular consequence: missense variant. On other transcripts: intron variant (1).
Genome position (GRCh38, 1-based): chr17:43,071,214, C>G on the plus strand (G>C on the coding strand, the complement: BRCA1 is on the minus strand). VCF-style: chr17-43071214-C-G. GRCh37 (hg19) VCF-style: chr17-41223231-C-G.
Other names: c.1265G>C, p.Gly422Ala (NM_001408433.1, NM_001408434.1, NM_001408435.1 and 10 more transcripts); c.4556G>C, p.Gly1519Ala (NM_001407742.1, NM_001407743.1, NM_001407744.1 and 21 more transcripts); c.4553G>C, p.Gly1518Ala (NM_001407838.1, NM_001407839.1, NM_001407841.1 and 12 more transcripts); c.4700G>C, p.Gly1567Ala (NM_001407854.1, NM_001407593.1, NM_001407594.1 and 8 more transcripts); c.4697G>C, p.Gly1566Ala (NM_001407858.1, NM_001407859.1, NM_001407860.1 and 17 more transcripts); c.4694G>C, p.Gly1565Ala (NM_001407861.1, NM_001407627.1, NM_001407628.1 and 14 more transcripts); c.4499G>C, p.Gly1500Ala (NM_001407862.1); c.4574G>C, p.Gly1525Ala (NM_001407863.1, NM_001407939.1, NM_001407940.1 and 11 more transcripts); and 71 more; short protein forms G1413A, G1455A, G1456A, G1478A, G1479A, G1495A, G1497A, G1500A.
Identifiers: ClinVar variation 2771885 (VCV002771885.3), dbSNP rs1555581074, ClinGen allele CA10592110.

ClinVar aggregate classification (germline): Uncertain significance (1 of 4 stars; one submission).

Conditions:
Hereditary breast ovarian cancer syndrome. Also called: Hereditary breast and ovarian cancer syndrome; Hereditary breast and ovarian cancer syndrome (HBOC); BRCA1- and BRCA2-Associated Hereditary Breast and Ovarian Cancer; Hereditary breast and ovarian cancer; Breast and ovarian cancer; Hereditary breast and/or ovarian cancer syndrome. Identifiers: Orphanet 145, MedGen C0677776, MeSH D061325, MONDO:0003582. Disease mechanism: loss of function.

Submission:

Labcorp Genetics (formerly Invitae), Labcorp
Classification: Uncertain significance for Hereditary breast ovarian cancer syndrome. Last evaluated: 2023-11-06. Review status: criteria provided, single submitter. Criteria: Invitae Variant Classification Sherloc (09022015). Collection method: clinical testing. Allele origin: germline.
Comment: This sequence change replaces glycine, which is neutral and non-polar, with alanine, which is neutral and non-polar, at codon 1567 of the BRCA1 protein (p.Gly1567Ala). This variant is not present in population databases (gnomAD no frequency). This variant has not been reported in the literature in individuals affected with BRCA1-related conditions. Advanced modeling of protein sequence and biophysical properties (such as structural, functional, and spatial information, amino acid conservation, physicochemical variation, residue mobility, and thermodynamic stability) has been performed at Invitae for this missense variant, however the output from this modeling did not meet the statistical confidence thresholds required to predict the impact of this variant on BRCA1 protein function. In summary, the available evidence is currently insufficient to determine the role of this variant in disease. Therefore, it has been classified as a Variant of Uncertain Significance.